The following is an entry in ClinVar:

ClinVar aggregate classification (germline): Uncertain significance (1 of 4 stars; one submission).

Conditions:
Spastic paraplegia. Identifiers: MedGen C0037772, HP:0001258.

Allele frequency attached by ClinVar (database versions not stated): gnomAD 0.00001; TOPMed 0.00001; gnomAD exomes 0.00002 and 0.00004; ExAC 0.00003.
gnomAD v4.1: 26 of 1,613,998 alleles (0.0016%); highest among the groups gnomAD compares: South Asian, 0.029%; no homozygotes.

Submission:

Labcorp Genetics (formerly Invitae), Labcorp
Classification: Uncertain significance for Spastic paraplegia. Last evaluated: 2022-10-13. Review status: criteria provided, single submitter. Criteria: Invitae Variant Classification Sherloc (09022015). Collection method: clinical testing. Allele origin: germline.
Comment: This sequence change replaces serine, which is neutral and polar, with phenylalanine, which is neutral and non-polar, at codon 68 of the AP4E1 protein (p.Ser68Phe). This variant is present in population databases (rs758719313, gnomAD 0.03%). This variant has not been reported in the literature in individuals affected with AP4E1-related conditions. ClinVar contains an entry for this variant (Variation ID: 1389255). Algorithms developed to predict the effect of missense changes on protein structure and function are either unavailable or do not agree on the potential impact of this missense change (SIFT: "Deleterious"; PolyPhen-2: "Probably Damaging"; Align-GVGD: "Class C0"). In summary, the available evidence is currently insufficient to determine the role of this variant in disease. Therefore, it has been classified as a Variant of Uncertain Significance.

NM_007347.5(AP4E1):c.203C>T (p.Ser68Phe)

Gene: AP4E1 (adaptor related protein complex 4 subunit epsilon 1; plus strand). Cytogenetic location: 15q21.2.
Variant type: single nucleotide variant.
Coding change: c.203C>T on transcript NM_007347.5 (MANE Select); coding-DNA position 203, C replaced by T.
Protein change: p.Ser68Phe; replaces serine 68 with phenylalanine.
Molecular consequence: missense variant. On other transcripts: 5 prime UTR variant (1).
Genome position (GRCh38, 1-based): chr15:50,912,130, C>T. VCF-style: chr15-50912130-C-T. GRCh37 (hg19) VCF-style: chr15-51204327-C-T.
Other names: c.-46C>T (NM_001252127.2); short protein forms S68F.
Identifiers: ClinVar variation 1389255 (VCV001389255.6), dbSNP rs758719313, ClinGen allele CA7558678.
Genomic context (GRCh38, chr15:50,912,130, plus strand): 5'-TTTCTCAGGAAGAAGAAAAATTAATCCAGCAGGAACTGAGTAGTCTGAAAGCGACTGTTT[C>T]TGCTCCTACTACAACACTGGTAGGTTTGCATAGTCAGTGCCAACACATTTGAATTTGAAA-3'
Protein context (NP_031373.2, residues 58-78): QELSSLKATV[Ser68Phe]APTTTLKMMK